The following is an entry in ClinVar:

ClinVar aggregate classification (germline): Uncertain significance (1 of 4 stars; one submission).

Submission:

Labcorp Genetics (formerly Invitae), Labcorp
Classification: Uncertain significance. Last evaluated: 2024-11-28. Review status: criteria provided, single submitter. Criteria: Invitae Variant Classification Sherloc (09022015). Collection method: clinical testing. Allele origin: germline.
Comment: This sequence change creates a premature translational stop signal (p.Asn45*) in the FLRT3 gene. While this is not anticipated to result in nonsense mediated decay, it is expected to disrupt the last 605 amino acid(s) of the FLRT3 protein. This variant is not present in population databases (gnomAD no frequency). This variant has not been reported in the literature in individuals affected with FLRT3-related conditions. In summary, the available evidence is currently insufficient to determine the role of this variant in disease. Therefore, it has been classified as a Variant of Uncertain Significance.

NM_198391.3(FLRT3):c.132dup (p.Asn45Ter)

Genes: FLRT3 (fibronectin leucine rich transmembrane protein 3; minus strand), MACROD2 (mono-ADP ribosylhydrolase 2; plus strand). Cytogenetic location: 20p12.1.
Variant type: Duplication.
Coding change: c.132dup on transcript NM_198391.3 (MANE Select); coding-DNA position 132, one base duplicated (T; older notation c.132dupT).
Protein change: p.Asn45Ter; replaces asparagine 45 with a stop codon.
Molecular consequence: nonsense. On other transcripts: intron variant (3).
Genome position (GRCh38, 1-based): chr20:14,327,375, A duplicated on the plus strand (T on the coding strand, the reverse complement: FLRT3 is on the minus strand). VCF-style (leftmost placement, unchanged base first): chr20-14327374-T-TA. GRCh37 (hg19) VCF-style: chr20-14308020-T-TA.
Other names: c.132dup, p.Asn45Ter (NM_013281.4); c.272-166104dup (NM_001351661.2, NM_001351663.2, NM_080676.6); short protein forms N45*.
Identifiers: ClinVar variation 3678379 (VCV003678379.2).